The following is an entry in ClinVar:

NM_133261.3(GIPC3):c.69G>A (p.Ala23=)

Gene: GIPC3 (GIPC PDZ domain containing family member 3; plus strand). Cytogenetic location: 19p13.3.
Variant type: single nucleotide variant.
Coding change: c.69G>A on transcript NM_133261.3 (MANE Select); coding-DNA position 69, G replaced by A.
Protein change: p.Ala23=; no amino-acid change (alanine 23 retained).
Molecular consequence: synonymous variant.
Genome position (GRCh38, 1-based): chr19:3,585,666, G>A. VCF-style: chr19-3585666-G-A. GRCh37 (hg19) VCF-style: chr19-3585664-G-A.
Identifiers: ClinVar variation 163501 (VCV000163501.32), dbSNP rs150473323, ClinGen allele CA176141.

ClinVar aggregate classification (germline): Benign/Likely benign. Review status: criteria provided, multiple submitters, no conflicts (2 of 4 stars). 9 submissions from 9 submitters: Benign (1); Likely benign (8). Last evaluated 2026-03-01.

Conditions:
Autosomal recessive nonsyndromic hearing loss 15. Also called: DEAFNESS, AUTOSOMAL RECESSIVE 15; DEAFNESS, AUTOSOMAL RECESSIVE 72; DEAFNESS, AUTOSOMAL RECESSIVE 95. Identifiers: Orphanet 90636, MedGen C1866094, MONDO:0011160, OMIM 601869.

Allele frequency attached by ClinVar (database versions not stated): TOPMed 0.00092.
gnomAD v4.1: 1,728 of 1,255,888 alleles (0.14%); highest among the groups gnomAD compares: Non-Finnish European, 0.16%; 4 homozygotes.

Submissions (9):

CeGaT Center for Human Genetics Tuebingen
Classification: Likely benign. Last evaluated: 2026-03-01. Review status: criteria provided, single submitter. Criteria: CeGaT Center For Human Genetics Tuebingen Variant Classification Criteria Version 2. Collection method: clinical testing. Allele origin: germline. Affected: yes. Observed: 2 variant alleles.
Comment: GIPC3: BP4, BP7

Labcorp Genetics (formerly Invitae), Labcorp
Classification: Likely benign. Last evaluated: 2025-12-08. Review status: criteria provided, single submitter. Criteria: Invitae Variant Classification Sherloc (09022015). Collection method: clinical testing. Allele origin: germline.

Blueprint Genetics
Classification: Likely benign. Last evaluated: 2024-11-26. Review status: criteria provided, single submitter. Criteria: ACMG Guidelines, 2015. Collection method: clinical testing. Allele origin: germline.

GeneDx
Classification: Likely benign. Last evaluated: 2021-03-02. Review status: criteria provided, single submitter. Criteria: GeneDx Variant Classification Process June 2021. Collection method: clinical testing. Allele origin: germline. Affected: yes.

ARUP Laboratories, Molecular Genetics and Genomics, ARUP Laboratories
Classification: Likely benign for Autosomal recessive nonsyndromic hearing loss 15. Last evaluated: 2019-05-23. Review status: criteria provided, single submitter. Criteria: ARUP Molecular Germline Variant Investigation Process. Collection method: clinical testing. Allele origin: germline.

Athena Diagnostics
Classification: Benign. Last evaluated: 2019-02-18. Review status: criteria provided, single submitter. Criteria: Athena Diagnostics Criteria. Collection method: clinical testing. Allele origin: germline.

Laboratory for Molecular Medicine, Mass General Brigham Personalized Medicine
Classification: Likely benign. Last evaluated: 2017-05-20. Review status: criteria provided, single submitter. Criteria: LMM Criteria. Collection method: clinical testing. Allele origin: germline. Observed: 4 variant alleles.
Comment: p.Ala23Ala in exon 1 of GIPC3: This variant is not expected to have clinical sig nificance because it does not alter an amino acid residue and is not located wit hin the splice consensus sequence. It has been identified in 0.1% (34/24076) Eur opean chromosomes by the Genome Aggregation Database (gnomAD; dbSNP rs150473323)

Breakthrough Genomics
Classification: Likely benign. Review status: criteria provided, single submitter. Criteria: ACMG Guidelines, 2015. Collection method: not provided. Allele origin: germline. Inheritance: Autosomal recessive inheritance. Affected: yes.

PreventionGenetics, part of Exact Sciences
Classification: Likely benign. Review status: criteria provided, single submitter. Criteria: ACMG Guidelines, 2015. Collection method: clinical testing. Allele origin: germline.